The following is an entry in ClinVar:

NM_031407.7(HUWE1):c.11297G>A (p.Arg3766Gln)

Gene: HUWE1 (HECT, UBA and WWE domain containing E3 ubiquitin protein ligase 1; minus strand). Cytogenetic location: Xp11.22.
Variant type: single nucleotide variant.
Coding change: c.11297G>A on transcript NM_031407.7 (MANE Select); coding-DNA position 11297, G replaced by A.
Protein change: p.Arg3766Gln; replaces arginine 3766 with glutamine.
Molecular consequence: missense variant.
Genome position (GRCh38, 1-based): chrX:53,543,923, C>T on the plus strand (G>A on the coding strand, the complement: HUWE1 is on the minus strand). VCF-style: chrX-53543923-C-T. GRCh37 (hg19) VCF-style: chrX-53570884-C-T.
Other names: short protein forms R3766Q.
Identifiers: ClinVar variation 3365329 (VCV003365329.1).

ClinVar aggregate classification (germline): Uncertain significance (1 of 4 stars; one submission).

gnomAD v4.1: 2 of 1,208,870 alleles (0.00017%); highest among the groups gnomAD compares: East Asian, 0.003%; no homozygotes.

Submission:

GeneDx
Classification: Uncertain significance. Last evaluated: 2023-12-04. Review status: criteria provided, single submitter. Criteria: GeneDx Variant Classification Process June 2021. Collection method: clinical testing. Allele origin: germline. Affected: yes.
Comment: In silico analysis supports that this missense variant does not alter protein structure/function; Has not been previously published as pathogenic or benign to our knowledge